The following is an entry in ClinVar:

ClinVar aggregate classification (germline): Uncertain significance (1 of 4 stars; one submission).

Allele frequency attached by ClinVar (database versions not stated): gnomAD 0.00001; gnomAD exomes 0.00003; TOPMed 0.00003; ExAC 0.00006.
gnomAD v4.1: 44 of 1,614,090 alleles (0.0027%); highest among the groups gnomAD compares: Admixed American, 0.045%; no homozygotes.

Submission:

Labcorp Genetics (formerly Invitae), Labcorp
Classification: Uncertain significance. Last evaluated: 2022-11-01. Review status: criteria provided, single submitter. Criteria: Invitae Variant Classification Sherloc (09022015). Collection method: clinical testing. Allele origin: germline.
Comment: In summary, the available evidence is currently insufficient to determine the role of this variant in disease. Therefore, it has been classified as a Variant of Uncertain Significance. Advanced modeling of protein sequence and biophysical properties (such as structural, functional, and spatial information, amino acid conservation, physicochemical variation, residue mobility, and thermodynamic stability) performed at Invitae indicates that this missense variant is not expected to disrupt SLC36A2 protein function. This variant has not been reported in the literature in individuals affected with SLC36A2-related conditions. This variant is present in population databases (rs764528872, gnomAD 0.06%), and has an allele count higher than expected for a pathogenic variant. This sequence change replaces cysteine, which is neutral and slightly polar, with tyrosine, which is neutral and polar, at codon 113 of the SLC36A2 protein (p.Cys113Tyr).

NM_181776.3(SLC36A2):c.338G>A (p.Cys113Tyr)

Gene: SLC36A2 (solute carrier family 36 member 2; minus strand). Cytogenetic location: 5q33.1.
Variant type: single nucleotide variant.
Coding change: c.338G>A on transcript NM_181776.3 (MANE Select); coding-DNA position 338, G replaced by A.
Protein change: p.Cys113Tyr; replaces cysteine 113 with tyrosine.
Molecular consequence: missense variant.
Genome position (GRCh38, 1-based): chr5:151,343,516, C>T on the plus strand (G>A on the coding strand, the complement: SLC36A2 is on the minus strand). VCF-style: chr5-151343516-C-T. GRCh37 (hg19) VCF-style: chr5-150723077-C-T.
Other names: short protein forms C113Y.
Identifiers: ClinVar variation 2186857 (VCV002186857.4), dbSNP rs764528872, ClinGen allele CA3518940.